The following is an entry in ClinVar:

ClinVar aggregate classification (germline): Uncertain significance (1 of 4 stars; one submission).

Submission:

Labcorp Genetics (formerly Invitae), Labcorp
Classification: Uncertain significance. Last evaluated: 2023-11-30. Review status: criteria provided, single submitter. Criteria: Invitae Variant Classification Sherloc (09022015). Collection method: clinical testing. Allele origin: germline.
Comment: This sequence change replaces asparagine, which is neutral and polar, with threonine, which is neutral and polar, at codon 874 of the CDH2 protein (p.Asn874Thr). This variant is not present in population databases (gnomAD no frequency). This variant has not been reported in the literature in individuals affected with CDH2-related conditions. An algorithm developed to predict the effect of missense changes on protein structure and function (PolyPhen-2) suggests that this variant is likely to be tolerated. In summary, the available evidence is currently insufficient to determine the role of this variant in disease. Therefore, it has been classified as a Variant of Uncertain Significance.

NM_001792.5(CDH2):c.2621A>C (p.Asn874Thr)

Genes: CDH2 (cadherin 2; minus strand), CDH2-AS1 (CDH2 antisense RNA 1; plus strand). Cytogenetic location: 18q12.1.
Variant type: single nucleotide variant.
Coding change: c.2621A>C on transcript NM_001792.5 (MANE Select); coding-DNA position 2621, A replaced by C.
Protein change: p.Asn874Thr; replaces asparagine 874 with threonine.
Molecular consequence: missense variant.
Genome position (GRCh38, 1-based): chr18:27,952,253, T>G on the plus strand (A>C on the coding strand, the complement: CDH2 is on the minus strand). VCF-style: chr18-27952253-T-G. GRCh37 (hg19) VCF-style: chr18-25532217-T-G.
Other names: c.2528A>C, p.Asn843Thr (NM_001308176.2); short protein forms N874T, N843T.
Identifiers: ClinVar variation 2878049 (VCV002878049.3), dbSNP rs2510768438, ClinGen allele CA402101241.